The following is an entry in ClinVar:

NM_000285.4(PEPD):c.162_163del (p.Gln55fs)

Gene: PEPD (peptidase D; minus strand). Cytogenetic location: 19q13.11.
Variant type: Deletion.
Coding change: c.162_163del on transcript NM_000285.4 (MANE Select); coding-DNA positions 162 to 163, 2 bases deleted (TC; older notation c.162_163delTC).
Protein change: p.Gln55fs; shifts the reading frame from glutamine 55.
Molecular consequence: frameshift variant.
Genome position (GRCh38, 1-based): chr19:33,512,631-33,512,632, GA deleted on the plus strand (TC on the coding strand, the reverse complement: PEPD is on the minus strand); deleting any 2 consecutive bases within chr19:33,512,631-33,512,633 gives the same sequence; the c. name uses the placement nearest the transcript's 3' end. VCF-style (leftmost placement, unchanged base first): chr19-33512630-TGA-T. GRCh37 (hg19) VCF-style: chr19-34003536-TGA-T.
Other names: c.162_163del, p.Gln55fs (NM_001166056.2, NM_001166057.2); short protein forms Q55fs.
Identifiers: ClinVar variation 3641701 (VCV003641701.2).
Genomic context (GRCh38, chr19:33,512,630, plus strand): 5'-TGTGGCCAAGCGGGGAGGCTCACCTGGCGGAAGAGGACCCCGGTGTCGGTGCAGTAGCGC[TGA>T]GTCTCCTCCCCGCCCTGCAGGACCACGATGGAGCCGGCCTGCACAGCAGGGTTCTTCCGC-3'

ClinVar aggregate classification (germline): Pathogenic (1 of 4 stars; one submission).

Submission:

Labcorp Genetics (formerly Invitae), Labcorp
Classification: Pathogenic. Last evaluated: 2024-02-17. Review status: criteria provided, single submitter. Criteria: Invitae Variant Classification Sherloc (09022015). Collection method: clinical testing. Allele origin: germline.
Comment: This sequence change creates a premature translational stop signal (p.Gln55Alafs*24) in the PEPD gene. It is expected to result in an absent or disrupted protein product. Loss-of-function variants in PEPD are known to be pathogenic (PMID: 8198124, 10721675, 12384772, 17142620). This variant is not present in population databases (gnomAD no frequency). This variant has not been reported in the literature in individuals affected with PEPD-related conditions. For these reasons, this variant has been classified as Pathogenic.

Literature cited by the submitters: PubMed 8198124; PubMed 10721675; PubMed 12384772; PubMed 17142620.